The following is an entry in ClinVar:

ClinVar aggregate classification (germline): Uncertain significance (1 of 4 stars; one submission).

Conditions:
IL17RA-related disorder. Also called: IL17RA-related condition.

gnomAD v4.1: 1 of 1,614,200 alleles (0.000062%); highest among the groups gnomAD compares: Non-Finnish European, 0.000085%; no homozygotes.

Submission:

PreventionGenetics, part of Exact Sciences
Classification: Uncertain significance for IL17RA-related condition. Last evaluated: 2025-01-23. Review status: criteria provided, single submitter. Criteria: ACMG Guidelines, 2015. Collection method: clinical testing. Allele origin: germline.
Comment: The IL17RA c.577A>T variant is predicted to result in the amino acid substitution p.Thr193Ser. To our knowledge, this variant has not been reported in the literature or in a large population database (gnomAD), indicating this variant is rare. At this time, the clinical significance of this variant is uncertain due to the absence of conclusive functional and genetic evidence.

NM_014339.7(IL17RA):c.577A>T (p.Thr193Ser)

Gene: IL17RA (interleukin 17 receptor A; plus strand). Cytogenetic location: 22q11.1.
Variant type: single nucleotide variant.
Coding change: c.577A>T on transcript NM_014339.7 (MANE Select); coding-DNA position 577, A replaced by T.
Protein change: p.Thr193Ser; replaces threonine 193 with serine.
Molecular consequence: missense variant.
Genome position (GRCh38, 1-based): chr22:17,102,022, A>T. VCF-style: chr22-17102022-A-T. GRCh37 (hg19) VCF-style: chr22-17582912-A-T.
Other names: c.577A>T, p.Thr193Ser (NM_001289905.2); short protein forms T193S.
Identifiers: ClinVar variation 4984889 (VCV004984889.1).
Genomic context (GRCh38, chr22:17,102,022, plus strand): 5'-GGCTTAATGAGTTTCCTTTTTTCTGGGTCGACAGACTGTGAGCACGCCAGGATGAAGGTA[A>T]CCACGCCATGCATGAGCTCAGGTAACAGCTGGCCCGGGAGAGCTTTATTTGGATGCATAC-3'
Protein context (NP_055154.3, residues 183-203): PDCEHARMKV[Thr193Ser]TPCMSSGSLW